The following is an entry in ClinVar:

ClinVar aggregate classification (germline): Likely pathogenic (1 of 4 stars; one submission).

Conditions:
Intellectual developmental disorder, X-linked, syndromic, Claes-Jensen type. Also called: INTELLECTUAL DEVELOPMENTAL DISORDER, X-LINKED, SYNDROMIC 16; MENTAL RETARDATION, X-LINKED, SYNDROMIC 16; Syndromic X-linked intellectual disability Claes-Jensen type. Identifiers: Orphanet 85279, MedGen C1845243, MONDO:0010355, OMIM 300534.

Submission:

Neuberg Centre For Genomic Medicine, NCGM
Classification: Likely pathogenic for Intellectual developmental disorder, X-linked, syndromic, Claes-Jensen type. Last evaluated: 2023-06-22. Review status: criteria provided, single submitter. Criteria: ACMG Guidelines, 2015. Collection method: clinical testing. Allele origin: germline. Inheritance: X-linked recessive inheritance. Affected: yes.
Comment: The observed frameshift c.2291del(p.Lys764ArgfsTer31) variant in KDM5C gene has not been reported previously as a pathogenic variant nor a benign variant, to our knowledge. The p.Lys764ArgfsTer31 variant is absent in gnomAD Exomes. This variant has not been submitted to the ClinVar database. This variant causes a frameshift starting with codon Lysine 764, changes this amino acid to Arginine residue, and creates a premature Stop codon at position 31 of the new reading frame, denoted p.Lys764ArgfsTer31. This variant is predicted to cause loss of normal protein function through protein truncation. Loss of function variants have been previously reported to be disease causing. For these reasons, this variant has been classified as Likely Pathogenic.

NM_004187.5(KDM5C):c.2291del (p.Lys764fs)

Gene: KDM5C (lysine demethylase 5C; minus strand). Cytogenetic location: Xp11.22.
Variant type: Deletion.
Coding change: c.2291del on transcript NM_004187.5 (MANE Select); coding-DNA position 2291, one base deleted (A; older notation c.2291delA).
Protein change: p.Lys764fs; shifts the reading frame from lysine 764.
Molecular consequence: frameshift variant. On other transcripts: non-coding transcript variant (3).
Genome position (GRCh38, 1-based): chrX:53,198,841, T deleted on the plus strand (A on the coding strand, the reverse complement: KDM5C is on the minus strand); the first of 2 consecutive T bases (chrX:53,198,841-53,198,842); deleting either gives the same sequence. VCF-style (leftmost placement, unchanged base first): chrX-53198840-CT-C. GRCh37 (hg19) VCF-style: chrX-53228022-CT-C.
Other names: c.2288del, p.Lys763fs (NM_001282622.3, NM_001353979.2, NM_001353982.2); c.2291del, p.Lys764fs (NM_001353978.3, NM_001353981.2, NM_001353984.2); c.2090del, p.Lys697fs (NM_001146702.2); short protein forms K697fs, K763fs, K764fs.
Identifiers: ClinVar variation 3377547 (VCV003377547.1).